The following is an entry in ClinVar:

ClinVar aggregate classification (germline): Likely pathogenic (1 of 4 stars; one submission).

Conditions:
Congenital hyperammonemia, type I. Also called: Carbamoyl phosphate synthetase I deficiency disease; CPS I DEFICIENCY; Carbamoyl phosphate synthetase 1 deficiency; Hyperammonemia due to carbamoyl phosphate synthetase 1 deficiency; CPS 1 deficiency; Carbamyl phosphate synthetase (CPS) deficiency. Identifiers: Orphanet 147, MedGen C4082171, MONDO:0009376, OMIM 237300.

Submission:

Myriad Genetics, Inc.
Classification: Likely pathogenic for Congenital hyperammonemia, type I. Last evaluated: 2021-12-13. Review status: criteria provided, single submitter. Criteria: Myriad Women's Health Autosomal Recessive and X-Linked Classification Criteria (2021). Collection method: clinical testing. Allele origin: unknown.
Comment: NM_001875.4(CPS1):c.2779C>T(Q927*) is expected to be pathogenic in the context of carbamoylphosphate synthetase I deficiency. This variant is predicted to lead to an abnormal or absent protein product due to the creation of a premature termination codon in CPS1, a gene where loss-of-function variants are known to be pathogenic. Please note: this variant was assessed in the context of healthy population screening.

NM_001875.5(CPS1):c.2779C>T (p.Gln927Ter)

Gene: CPS1 (carbamoyl-phosphate synthase 1; plus strand). Cytogenetic location: 2q34.
Variant type: single nucleotide variant.
Coding change: c.2779C>T on transcript NM_001875.5 (MANE Select); coding-DNA position 2779, C replaced by T.
Protein change: p.Gln927Ter; replaces glutamine 927 with a stop codon.
Molecular consequence: nonsense. On other transcripts: non-coding transcript variant (2).
Genome position (GRCh38, 1-based): chr2:210,637,793, C>T. VCF-style: chr2-210637793-C-T. GRCh37 (hg19) VCF-style: chr2-211502517-C-T.
Other names: c.2779C>T, p.Gln927Ter (NM_001122633.3, NM_001369257.1); c.2812C>T, p.Gln938Ter (NM_001369256.1); short protein forms Q927*, Q938*.
Identifiers: ClinVar variation 1726293 (VCV001726293.2), dbSNP rs2469258993, ClinGen allele CA350431076.
Genomic context (GRCh38, chr2:210,637,793, plus strand): 5'-GCAAAGGAGATTGGGTTCTCAGATAAGCAGATTTCAAAATGCCTTGGGCTCACTGAGGCC[C>T]AGACAAGGGAGCTGAGGTTAAAGAAAAACATCCACCCTTGGGTTAAACAGGTAAAGGAGT-3'